The following is an entry in ClinVar:

NM_001614.5(ACTG1):c.363+10G>T

Gene: ACTG1 (actin gamma 1; minus strand). Cytogenetic location: 17q25.3.
Variant type: single nucleotide variant.
Coding change: c.363+10G>T on transcript NM_001614.5 (MANE Select); 10 bases into the intron after coding-DNA position 363, G replaced by T.
Molecular consequence: intron variant.
Genome position (GRCh38, 1-based): chr17:81,511,893, C>A on the plus strand (G>T on the coding strand, the complement: ACTG1 is on the minus strand). VCF-style: chr17-81511893-C-A. GRCh37 (hg19) VCF-style: chr17-79478919-C-A.
Other names: c.363+10G>T (NM_001614.3, NM_001199954.3).
Identifiers: ClinVar variation 2070922 (VCV002070922.6), dbSNP rs782540819, ClinGen allele CA8836263.

ClinVar aggregate classification (germline): Likely benign. Review status: criteria provided, single submitter (1 of 4 stars). 2 submissions from 2 submitters: Likely benign (1). 1 of the submissions does not count toward it. Last evaluated 2024-05-15.

Conditions:
ACTG1-related disorder. Also called: ACTG1-related condition; ACTG1-related disorders.
Autosomal dominant nonsyndromic hearing loss 20. Identifiers: Orphanet 90635, MedGen C1858172, MONDO:0011480, OMIM 604717.
Baraitser-winter syndrome 2. Identifiers: Orphanet 2995, MedGen C3281235, MONDO:0013812, OMIM 614583.

Allele frequency attached by ClinVar (database versions not stated): gnomAD 0.00002; TOPMed 0.00002; ExAC 0.00009.

Submissions (2):

Labcorp Genetics (formerly Invitae), Labcorp
Classification: Likely benign for Baraitser-winter syndrome 2; Autosomal dominant nonsyndromic hearing loss 20. Last evaluated: 2024-05-15. Review status: criteria provided, single submitter. Criteria: Invitae Variant Classification Sherloc (09022015). Collection method: clinical testing. Allele origin: germline.

PreventionGenetics, part of Exact Sciences
Classification: Likely benign for ACTG1-related condition. Last evaluated: 2020-10-30. Review status: no assertion criteria provided. Collection method: clinical testing. Allele origin: germline. Not counted in ClinVar's aggregate classification.
Comment: This variant is classified as likely benign based on ACMG/AMP sequence variant interpretation guidelines (Richards et al. 2015 PMID: 25741868, with internal and published modifications).